The following is an entry in ClinVar:

ClinVar aggregate classification (germline): Uncertain significance (1 of 4 stars; one submission).

Conditions:
Cardiovascular phenotype. Identifiers: MedGen CN230736.

gnomAD v4.1: 22 of 1,613,344 alleles (0.0014%); highest among the groups gnomAD compares: South Asian, 0.024%; no homozygotes.

Submission:

Ambry Genetics
Classification: Uncertain significance for Cardiovascular phenotype. Last evaluated: 2025-01-19. Review status: criteria provided, single submitter. Criteria: Ambry Variant Classification Scheme 2023. Collection method: clinical testing. Allele origin: germline.
Comment: The p.C266Y variant (also known as c.797G>A), located in coding exon 2 of the TNXB gene, results from a G to A substitution at nucleotide position 797. The cysteine at codon 266 is replaced by tyrosine, an amino acid with highly dissimilar properties. This amino acid position is conserved. In addition, this alteration is predicted to be deleterious by in silico analysis. Based on the available evidence, the clinical significance of this variant remains unclear.

NM_001365276.2(TNXB):c.797G>A (p.Cys266Tyr)

Gene: TNXB (tenascin XB; minus strand). Cytogenetic location: 6p21.33.
Variant type: single nucleotide variant.
Coding change: c.797G>A on transcript NM_001365276.2 (MANE Select); coding-DNA position 797, G replaced by A.
Protein change: p.Cys266Tyr; replaces cysteine 266 with tyrosine.
Molecular consequence: missense variant.
Genome position (GRCh38, 1-based): chr6:32,097,056, C>T on the plus strand (G>A on the coding strand, the complement: TNXB is on the minus strand). VCF-style: chr6-32097056-C-T. GRCh37 (hg19) VCF-style: chr6-32064833-C-T.
Other names: c.797G>A, p.Cys266Tyr (NM_001428335.1, NM_019105.8); short protein forms C266Y.
Identifiers: ClinVar variation 3809336 (VCV003809336.1).